The following is an entry in ClinVar:

NM_000127.3(EXT1):c.98G>A (p.Ser33Asn)

Gene: EXT1 (exostosin glycosyltransferase 1; minus strand). Cytogenetic location: 8q24.11.
Variant type: single nucleotide variant.
Coding change: c.98G>A on transcript NM_000127.3 (MANE Select); coding-DNA position 98, G replaced by A.
Protein change: p.Ser33Asn; replaces serine 33 with asparagine.
Molecular consequence: missense variant.
Genome position (GRCh38, 1-based): chr8:118,110,949, C>T on the plus strand (G>A on the coding strand, the complement: EXT1 is on the minus strand). VCF-style: chr8-118110949-C-T. GRCh37 (hg19) VCF-style: chr8-119123188-C-T.
Other names: short protein forms S33N.
Identifiers: ClinVar variation 2726193 (VCV002726193.3), dbSNP rs2488053720, ClinGen allele CA371916603.

ClinVar aggregate classification (germline): Uncertain significance (1 of 4 stars; one submission).

Conditions:
Multiple congenital exostosis (EXT). Also called: Hereditary multiple osteochondromas; Multiple exostoses; Hereditary multiple exostoses; Hereditary multiple exostosis; Multiple osteochondromas; MULTIPLE CARTILAGINOUS EXOSTOSES. Identifiers: Orphanet 321, MedGen C0015306, MONDO:0005508, HP:0002762.

Submission:

Labcorp Genetics (formerly Invitae), Labcorp
Classification: Uncertain significance for Multiple congenital exostosis. Last evaluated: 2023-01-15. Review status: criteria provided, single submitter. Criteria: Invitae Variant Classification Sherloc (09022015). Collection method: clinical testing. Allele origin: germline.
Comment: In summary, the available evidence is currently insufficient to determine the role of this variant in disease. Therefore, it has been classified as a Variant of Uncertain Significance. Advanced modeling of protein sequence and biophysical properties (such as structural, functional, and spatial information, amino acid conservation, physicochemical variation, residue mobility, and thermodynamic stability) performed at Invitae indicates that this missense variant is not expected to disrupt EXT1 protein function. This variant has not been reported in the literature in individuals affected with EXT1-related conditions. This variant is not present in population databases (gnomAD no frequency). This sequence change replaces serine, which is neutral and polar, with asparagine, which is neutral and polar, at codon 33 of the EXT1 protein (p.Ser33Asn).